The following is an entry in ClinVar:

NM_004928.3(CFAP410):c.397C>T (p.Arg133Cys)

Gene: CFAP410 (cilia and flagella associated protein 410; minus strand). Cytogenetic location: 21q22.3.
Variant type: single nucleotide variant.
Coding change: c.397C>T on transcript NM_004928.3 (MANE Select); coding-DNA position 397, C replaced by T.
Protein change: p.Arg133Cys; replaces arginine 133 with cysteine.
Molecular consequence: missense variant.
Genome position (GRCh38, 1-based): chr21:44,331,991, G>A on the plus strand (C>T on the coding strand, the complement: CFAP410 is on the minus strand). VCF-style: chr21-44331991-G-A. GRCh37 (hg19) VCF-style: chr21-45751874-G-A.
Other names: c.397C>T, p.Arg133Cys (NM_001271440.2, NM_001271441.2); c.274C>T, p.Arg92Cys (NM_001271442.1); short protein forms R133C, R92C.
Identifiers: ClinVar variation 2062742 (VCV002062742.3), dbSNP rs756596432, ClinGen allele CA10053684.

ClinVar aggregate classification (germline): Uncertain significance (1 of 4 stars; one submission).

Allele frequency attached by ClinVar (database versions not stated): ExAC 0.00002; gnomAD 0.00002; TOPMed 0.00003.
gnomAD v4.1: 14 of 1,605,972 alleles (0.00087%); highest among the groups gnomAD compares: African/African-American, 0.0054%; no homozygotes.

Submission:

Labcorp Genetics (formerly Invitae), Labcorp
Classification: Uncertain significance. Last evaluated: 2023-12-11. Review status: criteria provided, single submitter. Criteria: Invitae Variant Classification Sherloc (09022015). Collection method: clinical testing. Allele origin: germline.
Comment: This sequence change replaces arginine, which is basic and polar, with cysteine, which is neutral and slightly polar, at codon 133 of the CFAP410 protein (p.Arg133Cys). The frequency data for this variant in the population databases is considered unreliable, as metrics indicate poor data quality at this position in the gnomAD database. This variant has not been reported in the literature in individuals affected with CFAP410-related conditions. ClinVar contains an entry for this variant (Variation ID: 2062742). Advanced modeling of protein sequence and biophysical properties (such as structural, functional, and spatial information, amino acid conservation, physicochemical variation, residue mobility, and thermodynamic stability) performed at Invitae indicates that this missense variant is not expected to disrupt CFAP410 protein function with a negative predictive value of 80%. In summary, the available evidence is currently insufficient to determine the role of this variant in disease. Therefore, it has been classified as a Variant of Uncertain Significance.